The following is an entry in ClinVar:

ClinVar aggregate classification (germline): Conflicting classifications of pathogenicity. Review status: criteria provided, conflicting classifications (1 of 4 stars). 9 submissions from 9 submitters: Uncertain significance (2); Likely benign (6). 1 of the submissions does not count toward it. Last evaluated 2026-05-01.

Conditions:
Inborn genetic diseases. Identifiers: MedGen C0950123, MeSH D030342.
Paget disease of bone 3. Identifiers: MedGen C4085252, MONDO:0008176, OMIM 167250.
Frontotemporal dementia and/or amyotrophic lateral sclerosis 3. Also called: FTDALS3. Identifiers: Orphanet 275864, Orphanet 275872, Orphanet 803, MedGen C4225326, MONDO:0014640, OMIM 616437.
Paget disease of bone 2, early-onset (PDB2). Also called: Paget disease of bone 2. Identifiers: MedGen C4085251, MONDO:0011183, OMIM 602080.
Frontotemporal dementia and/or amyotrophic lateral sclerosis 1 (FTDALS1). Also called: Frontotemporal dementia with motor neuron disease 1; C9orf72 Frontotemporal Dementia and/or Amyotrophic Lateral Sclerosis. Identifiers: Orphanet 275872, MedGen C5779877, MONDO:0007105, OMIM 105550.

Allele frequency attached by ClinVar (database versions not stated): gnomAD 0.00054; ESP Exome Variant Server 0.00055; TOPMed 0.00074; gnomAD exomes 0.00116; ExAC 0.00121.
gnomAD v4.1: 1,729 of 1,554,964 alleles (0.11%); highest among the groups gnomAD compares: Middle Eastern, 0.23%; 2 homozygotes.

Submissions (10):

CeGaT Center for Human Genetics Tuebingen
Classification: Likely benign. Last evaluated: 2026-05-01. Review status: criteria provided, single submitter. Criteria: CeGaT Center For Human Genetics Tuebingen Variant Classification Criteria Version 2. Collection method: clinical testing. Allele origin: germline. Affected: yes. Observed: 3 variant alleles.
Comment: SQSTM1: BS2

Women's Health and Genetics/Laboratory Corporation of America, LabCorp
Classification: Likely benign. Last evaluated: 2026-03-24. Review status: criteria provided, single submitter. Criteria: LabCorp Variant Classification Summary - May 2015. Collection method: clinical testing. Allele origin: germline.
Comment: Variant summary: SQSTM1 c.98C>T (p.Ala33Val) results in a non-conservative amino acid change located in the PB1 domain (IPR000270) of the encoded protein sequence. Algorithms developed to predict the effect of missense changes on protein structure and function are either unavailable or do not agree on the potential impact of this missense change. The variant allele was found at a frequency of 0.00081 in 168614 control chromosomes, predominantly at a frequency of 0.0012 within the Non-Finnish European subpopulation in the gnomAD database v2 database. A total of 2 homozygotes of this variant was observed in the gnomAD v4 database. c.98C>T has been reported in the literature in individuals affected with amyotrophic lateral sclerosis (ALS) and/or frontotemporal dementia, some of whom had a positive family history of similar disorders, but with no segregation data available (e.g. Fecto_2011, Le Ber_2013, van der Zee_2014, Borghero_2016, Goldstein_2019, McCann_2020, Mol_2021). Additionally, the variant has also been reported in controls (e.g. van der Zee_2014, Mol_2021) and in at least one case, the affected individual also harbored a potentially pathogenic variant in a different gene (e.g. Borghero_2016). Therefore, these reports do not provide unequivocal conclusions about association of the variant with SQSTM1-Related Disorders. To our knowledge, no experimental evidence demonstrating an impact on protein function has been reported. The following publications have been ascertained in the context of this evaluation (PMID: 27156075, 22084127, 31108397, 24042580, 32409511, 32843152, 24899140). ClinVar contains an entry for this variant (Variation ID: 253029). Based on the evidence outlined above, the variant was classified as likely benign.

Labcorp Genetics (formerly Invitae), Labcorp
Classification: Likely benign for Paget disease of bone 2, early-onset; Frontotemporal dementia and/or amyotrophic lateral sclerosis 1. Last evaluated: 2026-01-30. Review status: criteria provided, single submitter. Criteria: Invitae Variant Classification Sherloc (09022015). Collection method: clinical testing. Allele origin: germline.

Mayo Clinic Laboratories, Mayo Clinic
Classification: Likely benign. Last evaluated: 2025-04-21. Review status: criteria provided, single submitter. Criteria: ACMG Guidelines, 2015. Collection method: clinical testing. Allele origin: germline. Observed: 6 variant alleles.
Comment: BP4_moderate, BP5

Athena Diagnostics
Classification: Likely benign. Last evaluated: 2024-12-31. Review status: criteria provided, single submitter. Criteria: Athena Diagnostics Criteria. Collection method: clinical testing. Allele origin: unknown.
Comment: The frequency of this variant in the general population is higher than would generally be expected for pathogenic variants in this gene. Computational tools predict this amino acid change may be benign.

Ambry Genetics
Classification: Uncertain significance for Inborn genetic diseases. Last evaluated: 2021-10-15. Review status: criteria provided, single submitter. Criteria: Ambry Variant Classification Scheme 2023. Collection method: clinical testing. Allele origin: germline.
Comment: Unlikely to be causative of SQSTM1-related frontotemporal dementia/amyotrophic lateral sclerosis (AD) Based on insufficient or conflicting evidence, the clinical significance of this alteration remains unclear.

GeneDx
Classification: Likely benign. Last evaluated: 2021-05-07. Review status: criteria provided, single submitter. Criteria: GeneDx Variant Classification Process June 2021. Collection method: clinical testing. Allele origin: germline. Affected: yes.
Comment: This variant is associated with the following publications: (PMID: 31108397, 26836416, 24138988, 24486447, 25796131, 25382069, 23447461, 27275741, 27156075, 22084127, 24042580, 24899140)

Illumina Laboratory Services, Illumina
Classification: Uncertain significance for Paget disease of bone 3. Last evaluated: 2017-04-27. Review status: criteria provided, single submitter. Criteria: ICSL Variant Classification Criteria 13 December 2019. Collection method: clinical testing. Allele origin: germline.
Comment: This variant was observed as part of a predisposition screen in an ostensibly healthy population. A literature search was performed for the gene, cDNA change, and amino acid change (where applicable). Publications were found based on this search. However, the evidence from the literature, in combination with allele frequency data from public databases where available, was not sufficient to rule this variant in or out of causing disease. Therefore, this variant is classified as a variant of unknown significance.

OMIM
Classification: Pathogenic for FRONTOTEMPORAL DEMENTIA AND/OR AMYOTROPHIC LATERAL SCLEROSIS 3. Last evaluated: 2013-11-01. Review status: no assertion criteria provided. Collection method: literature only. Allele origin: germline. Not counted in ClinVar's aggregate classification.

Dr. Peter K. Rogan Lab, Western University
No classification provided (evidence only). Condition: Cervical cancer. Review status: no classification provided. Collection method: in vitro. Allele origin: not applicable. Functional consequence: retained intron. Not counted in ClinVar's aggregate classification.

Literature cited by the submitters: PubMed 32409511 (cited by Women's Health and Genetics/Laboratory Corporation of America, LabCorp and Athena Diagnostics); PubMed 27156075 (cited by Women's Health and Genetics/Laboratory Corporation of America, LabCorp and Athena Diagnostics); PubMed 22084127 (cited by 4 submitters); PubMed 31108397 (cited by Women's Health and Genetics/Laboratory Corporation of America, LabCorp and Athena Diagnostics); PubMed 24042580 (cited by 3 submitters); PubMed 32843152 (cited by Women's Health and Genetics/Laboratory Corporation of America, LabCorp and Athena Diagnostics); PubMed 24899140 (cited by Women's Health and Genetics/Laboratory Corporation of America, LabCorp and Athena Diagnostics); PubMed 24486447 (cited by Illumina Laboratory Services, Illumina).

NM_003900.5(SQSTM1):c.98C>T (p.Ala33Val)

Gene: SQSTM1 (sequestosome 1; plus strand). Cytogenetic location: 5q35.3.
Variant type: single nucleotide variant.
Coding change: c.98C>T on transcript NM_003900.5 (MANE Select); coding-DNA position 98, C replaced by T.
Protein change: p.Ala33Val; replaces alanine 33 with valine.
Molecular consequence: missense variant. On other transcripts: intron variant (2).
Genome position (GRCh38, 1-based): chr5:179,821,034, C>T. VCF-style: chr5-179821034-C-T. GRCh37 (hg19) VCF-style: chr5-179248034-C-T.
Other names: p.Ala33Val; c.-47-1924C>T (NM_001142298.2, NM_001142299.2); short protein forms A33V.
Identifiers: ClinVar variation 253029 (VCV000253029.29), dbSNP rs200396166, ClinGen allele CA3600374.